The following is an entry in ClinVar:

NM_006531.5(IFT88):c.715A>G (p.Met239Val)

Gene: IFT88 (intraflagellar transport 88; plus strand). Cytogenetic location: 13q12.11.
Variant type: single nucleotide variant.
Coding change: c.715A>G on transcript NM_006531.5 (MANE Select); coding-DNA position 715, A replaced by G.
Protein change: p.Met239Val; replaces methionine 239 with valine.
Molecular consequence: missense variant. On other transcripts: non-coding transcript variant (5).
Genome position (GRCh38, 1-based): chr13:20,599,468, A>G. VCF-style: chr13-20599468-A-G. GRCh37 (hg19) VCF-style: chr13-21173607-A-G.
Other names: c.658A>G, p.Met220Val (NM_001318491.2, NM_001353573.2, NM_001353574.2 and 1 more transcripts); c.742A>G, p.Met248Val (NM_001318493.2, NM_001353565.2, NM_001353566.2 and 6 more transcripts); c.715A>G, p.Met239Val (NM_001353568.2, NM_001353571.2, NM_001353572.2 and 1 more transcripts); c.82A>G, p.Met28Val (NM_001353579.2); c.742A>G (NM_175605.4, NM_175605.3); short protein forms M220V, M239V, M248V, M28V.
Identifiers: ClinVar variation 1425512 (VCV001425512.9), dbSNP rs201076403, ClinGen allele CA6905180.

ClinVar aggregate classification (germline): Uncertain significance. Review status: criteria provided, multiple submitters, no conflicts (2 of 4 stars). 4 submissions from 4 submitters: Uncertain significance (4). Last evaluated 2026-02-04.

Conditions:
IFT88-related disorder. Also called: IFT88-related condition.

Allele frequency attached by ClinVar (database versions not stated): gnomAD exomes 0.00005 and 0.00006; gnomAD 0.00006; TOPMed 0.00006; ExAC 0.00008; 1000 Genomes Project 30x 0.00016; 1000 Genomes Project 0.00020.
gnomAD v4.1: 70 of 1,345,514 alleles (0.0052%); highest among the groups gnomAD compares: Middle Eastern, 0.019%; no homozygotes.

Submissions (4):

PreventionGenetics, part of Exact Sciences
Classification: Uncertain significance for IFT88-related condition. Last evaluated: 2026-02-04. Review status: criteria provided, single submitter. Criteria: ACMG Guidelines, 2015. Collection method: clinical testing. Allele origin: germline.
Comment: The IFT88 c.742A>G variant is predicted to result in the amino acid substitution p.Met248Val. To our knowledge, this variant has not been reported in the literature. This variant is reported in 0.018% of alleles in individuals of Latino descent in gnomAD. At this time, the clinical significance of this variant is uncertain due to the absence of conclusive functional and genetic evidence.

Ambry Genetics
Classification: Uncertain significance. Last evaluated: 2025-08-12. Review status: criteria provided, single submitter. Criteria: Ambry Variant Classification Scheme 2023. Collection method: clinical testing. Allele origin: germline.

Labcorp Genetics (formerly Invitae), Labcorp
Classification: Uncertain significance. Last evaluated: 2025-06-07. Review status: criteria provided, single submitter. Criteria: Invitae Variant Classification Sherloc (09022015). Collection method: clinical testing. Allele origin: germline.
Comment: This sequence change replaces methionine, which is neutral and non-polar, with valine, which is neutral and non-polar, at codon 248 of the IFT88 protein (p.Met248Val). This variant is present in population databases (rs201076403, gnomAD 0.02%). This variant has not been reported in the literature in individuals affected with IFT88-related conditions. ClinVar contains an entry for this variant (Variation ID: 1425512). Experimental studies and prediction algorithms are not available or were not evaluated, and the functional significance of this variant is currently unknown. In summary, the available evidence is currently insufficient to determine the role of this variant in disease. Therefore, it has been classified as a Variant of Uncertain Significance.

Breakthrough Genomics
Classification: Uncertain significance. Review status: criteria provided, single submitter. Criteria: ACMG Guidelines, 2015. Collection method: not provided. Allele origin: germline. Inheritance: Unknown mechanism. Affected: yes.